The following is an entry in ClinVar:

NM_021813.4(BACH2):c.943A>G (p.Ser315Gly)

Gene: BACH2 (BACH transcriptional regulator 2; minus strand). Cytogenetic location: 6q15.
Variant type: single nucleotide variant.
Coding change: c.943A>G on transcript NM_021813.4 (MANE Select); coding-DNA position 943, A replaced by G.
Protein change: p.Ser315Gly; replaces serine 315 with glycine.
Molecular consequence: missense variant.
Genome position (GRCh38, 1-based): chr6:89,951,163, T>C on the plus strand (A>G on the coding strand, the complement: BACH2 is on the minus strand). VCF-style: chr6-89951163-T-C. GRCh37 (hg19) VCF-style: chr6-90660882-T-C.
Other names: c.943A>G, p.Ser315Gly (NM_001170794.2); short protein forms S315G.
Identifiers: ClinVar variation 2813229 (VCV002813229.3), dbSNP rs2533566791, ClinGen allele CA365071888.
Genomic context (GRCh38, chr6:89,951,163, plus strand): 5'-CGCTCCTGGATCTCTCCAGGCAGGCGGCCCCAGCTGGGGCCGTGGGGGTAGGGGCAGGGC[T>C]GGGCTGTTTCCGGTCCATCTCGACATCCCCCGCTCTGTCCTTGGCGTCAGGCTCATCTCC-3'
Protein context (NP_068585.1, residues 305-325): GDVEMDRKQP[Ser315Gly]PAPTPTAPAG

ClinVar aggregate classification (germline): Uncertain significance (1 of 4 stars; one submission).

Submission:

Labcorp Genetics (formerly Invitae), Labcorp
Classification: Uncertain significance. Last evaluated: 2023-12-09. Review status: criteria provided, single submitter. Criteria: Invitae Variant Classification Sherloc (09022015). Collection method: clinical testing. Allele origin: germline.
Comment: This sequence change replaces serine, which is neutral and polar, with glycine, which is neutral and non-polar, at codon 315 of the BACH2 protein (p.Ser315Gly). This variant is not present in population databases (gnomAD no frequency). This variant has not been reported in the literature in individuals affected with BACH2-related conditions. An algorithm developed to predict the effect of missense changes on protein structure and function (PolyPhen-2) suggests that this variant is likely to be tolerated. In summary, the available evidence is currently insufficient to determine the role of this variant in disease. Therefore, it has been classified as a Variant of Uncertain Significance.